The following is an entry in ClinVar:

NM_005267.5(GJA8):c.1040G>A (p.Gly347Glu)

Gene: GJA8 (gap junction protein alpha 8; plus strand). Cytogenetic location: 1q21.2.
Variant type: single nucleotide variant.
Coding change: c.1040G>A on transcript NM_005267.5 (MANE Select); coding-DNA position 1040, G replaced by A.
Protein change: p.Gly347Glu; replaces glycine 347 with glutamic acid.
Molecular consequence: missense variant.
Genome position (GRCh38, 1-based): chr1:147,908,995, G>A. VCF-style: chr1-147908995-G-A. GRCh37 (hg19) VCF-style: chr1-147381122-G-A.
Other names: short protein forms G347E.
Identifiers: ClinVar variation 2793948 (VCV002793948.3), dbSNP rs1250862295, ClinGen allele CA342226465.
Genomic context (GRCh38, chr1:147,908,995, plus strand): 5'-GGGCACAAGAAGTGGAGGGCGAGGGGCCGCCTGCAGAGGAGGGAGCCGAACCCGAGGTGG[G>A]AGAGAAGAAGGAGGAAGCAGAGAGGCTGACCACGGAGGAGCAGGAGAAGGTGGCCGTGCC-3'
Protein context (NP_005258.2, residues 337-357): PAEEGAEPEV[Gly347Glu]EKKEEAERLT

ClinVar aggregate classification (germline): Uncertain significance (1 of 4 stars; one submission).

Conditions:
Cataract 1 multiple types. Also called: CATARACT, DUFFY-LINKED; CATARACT 1, NUCLEAR PROGRESSIVE; CATARACT 1 WITH MICROCORNEA; CATARACT 1, POSTERIOR SUBCAPSULAR, WITH MICROCORNEA; CATARACT 1, STELLATE NUCLEAR, WITH MICROCORNEA; CATARACT 1, MULTIPLE TYPES, WITH OR WITHOUT MICROCORNEA. Identifiers: Orphanet 1377, MedGen C1861828, MONDO:0007285, OMIM 116200.

Submission:

Labcorp Genetics (formerly Invitae), Labcorp
Classification: Uncertain significance for Cataract 1 multiple types. Last evaluated: 2023-12-11. Review status: criteria provided, single submitter. Criteria: Invitae Variant Classification Sherloc (09022015). Collection method: clinical testing. Allele origin: germline.
Comment: This sequence change replaces glycine, which is neutral and non-polar, with glutamic acid, which is acidic and polar, at codon 347 of the GJA8 protein (p.Gly347Glu). This variant is not present in population databases (gnomAD no frequency). This variant has not been reported in the literature in individuals affected with GJA8-related conditions. Advanced modeling of protein sequence and biophysical properties (such as structural, functional, and spatial information, amino acid conservation, physicochemical variation, residue mobility, and thermodynamic stability) performed at Invitae indicates that this missense variant is not expected to disrupt GJA8 protein function with a negative predictive value of 95%. In summary, the available evidence is currently insufficient to determine the role of this variant in disease. Therefore, it has been classified as a Variant of Uncertain Significance.